The following is an entry in ClinVar:

NM_031443.4(CCM2):c.1071_1074dup (p.Glu359delinsProTer)

Gene: CCM2 (CCM2 scaffold protein; plus strand). Cytogenetic location: 7p13.
Variant type: Duplication.
Coding change: c.1071_1074dup on transcript NM_031443.4 (MANE Select); coding-DNA positions 1071 to 1074, 4 bases duplicated (CCCT; older notation c.1071_1074dupCCCT).
Protein change: p.Glu359delinsProTer.
Molecular consequence: nonsense. On other transcripts: non-coding transcript variant (1).
Genome position (GRCh38, 1-based): chr7:45,075,793-45,075,796, CCCT duplicated; duplicating any 4 consecutive bases within chr7:45,075,792-45,075,796 gives the same sequence; the c. name uses the placement nearest the transcript's 3' end. VCF-style (leftmost placement, unchanged base first): chr7-45075791-A-ATCCC. GRCh37 (hg19) VCF-style: chr7-45115390-A-ATCCC.
Other names: c.1134_1137dup, p.Glu380delinsProTer (NM_001029835.2); c.897_900dup, p.Glu301delinsProTer (NM_001167934.2); c.798_801dup, p.Glu268delinsProTer (NM_001167935.2); c.1194_1197dup, p.Glu400delinsProTer (NM_001363458.2); c.1020_1023dup, p.Glu342delinsProTer (NM_001363459.2).
Identifiers: ClinVar variation 1456955 (VCV001456955.6), dbSNP rs2128637642, ClinGen allele CA2573142192.

ClinVar aggregate classification (germline): Pathogenic (1 of 4 stars; one submission).

Conditions:
Cerebral cavernous malformation 2. Also called: Familial Cerebral Cavernous Malformation 2. Identifiers: Orphanet 221061, MedGen C1864041, MONDO:0011304, OMIM 603284.

Submission:

Labcorp Genetics (formerly Invitae), Labcorp
Classification: Pathogenic for Cerebral cavernous malformation 2. Last evaluated: 2024-10-13. Review status: criteria provided, single submitter. Criteria: Invitae Variant Classification Sherloc (09022015). Collection method: clinical testing. Allele origin: germline.
Comment: This sequence change creates a premature translational stop signal (p.Glu359Profs*2) in the CCM2 gene. While this is not anticipated to result in nonsense mediated decay, it is expected to disrupt the last 86 amino acid(s) of the CCM2 protein. This variant is not present in population databases (gnomAD no frequency). This premature translational stop signal has been observed in individual(s) with cerebral cavernous malformations (PMID: 24689081). ClinVar contains an entry for this variant (Variation ID: 1456955). This variant disrupts a region of the CCM2 protein in which other variant(s) (p.Glu417Glyfs*3) have been determined to be pathogenic (PMID: 14740320, 24689081). This suggests that this is a clinically significant region of the protein, and that variants that disrupt it are likely to be disease-causing. For these reasons, this variant has been classified as Pathogenic.

Literature cited by the submitters: PubMed 24689081; PubMed 14740320.